The following is an entry in ClinVar:

ClinVar aggregate classification (germline): Likely benign (0 of 4 stars; one submission).

Conditions:
DNAH5-related disorder. Also called: DNAH5-related condition.

Allele frequency attached by ClinVar (database versions not stated): gnomAD exomes 0.00005; gnomAD 0.00007; ExAC 0.00010; ESP Exome Variant Server 0.00023.
gnomAD v4.1: 77 of 1,582,218 alleles (0.0049%); highest among the groups gnomAD compares: Non-Finnish European, 0.0015%; no homozygotes.

Submission:

PreventionGenetics, part of Exact Sciences
Classification: Likely benign for DNAH5-related condition. Last evaluated: 2022-04-21. Review status: no assertion criteria provided. Collection method: clinical testing. Allele origin: germline.
Comment: This variant is classified as likely benign based on ACMG/AMP sequence variant interpretation guidelines (Richards et al. 2015 PMID: 25741868, with internal and published modifications).

NM_001369.3(DNAH5):c.1644+21C>A

Gene: DNAH5 (dynein axonemal heavy chain 5; minus strand). Cytogenetic location: 5p15.2.
Variant type: single nucleotide variant.
Coding change: c.1644+21C>A on transcript NM_001369.3 (MANE Select); 21 bases into the intron after coding-DNA position 1644, C replaced by A.
Molecular consequence: intron variant.
Genome position (GRCh38, 1-based): chr5:13,911,365, G>T on the plus strand (C>A on the coding strand, the complement: DNAH5 is on the minus strand). VCF-style: chr5-13911365-G-T. GRCh37 (hg19) VCF-style: chr5-13911474-G-T.
Identifiers: ClinVar variation 3054738 (VCV003054738.2), dbSNP rs376615712, ClinGen allele CA3204784.